The following is an entry in ClinVar:

NM_001256789.3(CACNA1F):c.3056C>T (p.Thr1019Met)

Gene: CACNA1F (calcium voltage-gated channel subunit alpha1 F; minus strand). Cytogenetic location: Xp11.23.
Variant type: single nucleotide variant.
Coding change: c.3056C>T on transcript NM_001256789.3 (MANE Select); coding-DNA position 3056, C replaced by T.
Protein change: p.Thr1019Met; replaces threonine 1019 with methionine.
Molecular consequence: missense variant.
Genome position (GRCh38, 1-based): chrX:49,217,788, G>A on the plus strand (C>T on the coding strand, the complement: CACNA1F is on the minus strand). VCF-style: chrX-49217788-G-A. GRCh37 (hg19) VCF-style: chrX-49074247-G-A.
Other names: c.2894C>T, p.Thr965Met (NM_001256790.3); c.3089C>T, p.Thr1030Met (NM_005183.4); short protein forms T1019M, T1030M, T965M.
Identifiers: ClinVar variation 5037999 (VCV005037999.2).

ClinVar aggregate classification (germline): Uncertain significance (1 of 4 stars; one submission).

Conditions:
Aland island eye disease (AIED). Also called: Forsius Eriksson type ocular albinism. Identifiers: Orphanet 178333, MedGen C0268505, MONDO:0010371, OMIM 300600.
X-linked cone-rod dystrophy 3 (CORDX3). Identifiers: Orphanet 1872, MedGen C1845407, MONDO:0010335, OMIM 300476.
Congenital stationary night blindness 2A (CSNB2A). Also called: Night blindness, congenital stationary (incomplete), 2A, X-linked; CACNA1F-Related X-Linked Congenital Stationary Night Blindness; NIGHT BLINDNESS, CONGENITAL STATIONARY, TYPE 2; CSNB, INCOMPLETE, X-LINKED. Identifiers: Orphanet 215, MedGen C1848172, MONDO:0010241, OMIM 300071.

gnomAD v4.1: 3 of 1,209,580 alleles (0.00025%); highest among the groups gnomAD compares: South Asian, 0.0035%; no homozygotes.

Submission:

Juno Genomics, Hangzhou Juno Genomics, Inc
Classification: Uncertain significance for Aland island eye disease; X-linked cone-rod dystrophy 3; Congenital stationary night blindness 2A. Review status: criteria provided, single submitter. Criteria: ACMG Guidelines, 2015. Collection method: clinical testing. Allele origin: germline.
Comment: Absent from controls (or at extremely low frequency if recessive) in Genome Aggregation Database.;Multiple lines of computational evidence support a deleterious effect on the gene or gene product.